The following is an entry in ClinVar:

NM_000535.7(PMS2):c.947_948del (p.His316fs)

Gene: PMS2 (PMS1 homolog 2, mismatch repair system component; minus strand). Cytogenetic location: 7p22.1.
Variant type: Microsatellite.
Coding change: c.947_948del on transcript NM_000535.7 (MANE Select); coding-DNA positions 947 to 948, 2 bases deleted (AC; older notation c.947_948delAC).
Protein change: p.His316fs; shifts the reading frame from histidine 316.
Molecular consequence: frameshift variant. On other transcripts: non-coding transcript variant (1).
Genome position (GRCh38, 1-based): chr7:5,992,013-5,992,014, GT deleted on the plus strand (AC on the coding strand, the reverse complement: PMS2 is on the minus strand); deleting any 2 consecutive bases within chr7:5,992,013-5,992,016 gives the same sequence; the c. name uses the placement nearest the transcript's 3' end. VCF-style (leftmost placement, unchanged base first): chr7-5992012-GGT-G. GRCh37 (hg19) VCF-style: chr7-6031643-GGT-G.
Other names: c.542_543del, p.His181fs (NM_001322003.2, NM_001322004.2, NM_001322005.2 and 2 more transcripts); c.947_948del, p.His316fs (NM_001322006.2, NM_001322014.2); c.629_630del, p.His210fs (NM_001322007.2, NM_001322008.2); c.14_15del, p.His5fs (NM_001322011.2, NM_001322012.2); c.374_375del, p.His125fs (NM_001322013.2); c.638_639del, p.His213fs (NM_001322015.2); short protein forms H181fs, H210fs, H213fs, H5fs, H125fs, H316fs.
Identifiers: ClinVar variation 237934 (VCV000237934.8), dbSNP rs878854060, ClinGen allele CA10582516.

ClinVar aggregate classification (germline): Pathogenic. Review status: criteria provided, multiple submitters, no conflicts (2 of 4 stars). 2 submissions from 2 submitters: Pathogenic (2). Last evaluated 2025-02-04.

Conditions:
Hereditary nonpolyposis colorectal neoplasms. Identifiers: MedGen C0009405, MeSH D003123.
Lynch syndrome 4 (LYNCH4). Also called: Colorectal cancer, hereditary nonpolyposis, type 4; Hereditary non-polyposis colorectal cancer, type 4. Identifiers: Orphanet 144, MedGen C1838333, MONDO:0013699, OMIM 614337. Disease mechanism: loss of function.

Submissions (2):

Labcorp Genetics (formerly Invitae), Labcorp
Classification: Pathogenic for Hereditary nonpolyposis colorectal neoplasms. Last evaluated: 2025-02-04. Review status: criteria provided, single submitter. Criteria: Invitae Variant Classification Sherloc (09022015). Collection method: clinical testing. Allele origin: germline.
Comment: This sequence change creates a premature translational stop signal (p.His316Profs*8) in the PMS2 gene. It is expected to result in an absent or disrupted protein product. Loss-of-function variants in PMS2 are known to be pathogenic (PMID: 21376568, 24362816). This variant is not present in population databases (gnomAD no frequency). This variant has not been reported in the literature in individuals affected with PMS2-related conditions. For these reasons, this variant has been classified as Pathogenic.

Myriad Genetics, Inc.
Classification: Pathogenic for Lynch syndrome 4. Last evaluated: 2024-09-04. Review status: criteria provided, single submitter. Criteria: Myriad Autosomal Dominant, Autosomal Recessive and X-Linked Classification Criteria (2023). Collection method: clinical testing. Allele origin: unknown.
Comment: This variant is considered pathogenic. This variant creates a frameshift predicted to result in premature protein truncation.

Literature cited by the submitters: PubMed 21376568 (cited by Labcorp Genetics (formerly Invitae), Labcorp); PubMed 24362816 (cited by Labcorp Genetics (formerly Invitae), Labcorp).